The following is an entry in ClinVar:

NM_007294.4(BRCA1):c.3020C>G (p.Ser1007Ter)

Gene: BRCA1 (BRCA1 DNA repair associated; minus strand). Cytogenetic location: 17q21.31.
Variant type: single nucleotide variant.
Coding change: c.3020C>G on transcript NM_007294.4 (MANE Select); coding-DNA position 3020, C replaced by G.
Protein change: p.Ser1007Ter; replaces serine 1007 with a stop codon.
Molecular consequence: nonsense. On other transcripts: intron variant (137).
Genome position (GRCh38, 1-based): chr17:43,092,511, G>C on the plus strand (C>G on the coding strand, the complement: BRCA1 is on the minus strand). VCF-style: chr17-43092511-G-C. GRCh37 (hg19) VCF-style: chr17-41244528-G-C.
Other names: c.2807C>G, p.Ser936Ter (NM_001407571.1, NM_001407853.1, NM_001407894.1 and 9 more transcripts); c.3020C>G, p.Ser1007Ter (NM_001407581.1, NM_001407582.1, NM_001407583.1 and 30 more transcripts); c.3017C>G, p.Ser1006Ter (NM_001407587.1, NM_001407590.1, NM_001407591.1 and 22 more transcripts); c.3011C>G, p.Ser1004Ter (NM_001407646.1, NM_001407647.1); c.2897C>G, p.Ser966Ter (NM_001407648.1, NM_001407664.1, NM_001407665.1 and 19 more transcripts); c.2894C>G, p.Ser965Ter (NM_001407649.1, NM_001407670.1, NM_001407671.1 and 11 more transcripts); c.2942C>G, p.Ser981Ter (NM_001407653.1, NM_001407654.1, NM_001407655.1 and 4 more transcripts); c.2939C>G, p.Ser980Ter (NM_001407659.1, NM_001407660.1, NM_001407661.1 and 1 more transcripts); and 41 more; short protein forms S1007*, S960*, S1006*, S918*, S936*, S937*, S939*, S966*.
Identifiers: ClinVar variation 54754 (VCV000054754.9), dbSNP rs80357168, ClinGen allele CA001973.

ClinVar aggregate classification (germline): Pathogenic. Review status: reviewed by expert panel (3 of 4 stars). 5 submissions from 5 submitters: Pathogenic (1). 4 of the submissions do not count toward it. Last evaluated 2016-09-08.

Conditions:
Hereditary cancer-predisposing syndrome. Also called: Tumor predisposition; Neoplastic Syndromes, Hereditary; Hereditary Cancer Syndrome; Hereditary neoplastic syndrome. Identifiers: Orphanet 140162, MedGen C0027672, MeSH D009386, MONDO:0015356.
Hereditary breast ovarian cancer syndrome. Also called: Hereditary breast and ovarian cancer syndrome (HBOC); Hereditary breast and ovarian cancer syndrome; Hereditary breast and ovarian cancer; Hereditary breast and/or ovarian cancer syndrome; Breast and ovarian cancer; BRCA1- and BRCA2-Associated Hereditary Breast and Ovarian Cancer. Identifiers: Orphanet 145, MedGen C0677776, MeSH D061325, MONDO:0003582. Disease mechanism: loss of function.
Breast-ovarian cancer, familial, susceptibility to, 1 (BROVCA1). Also called: OVARIAN CANCER, SUSCEPTIBILITY TO; BRCA1 Hereditary Breast and Ovarian Cancer. Identifiers: Orphanet 145, MedGen C2676676, MONDO:0011450, OMIM 604370. Disease mechanism: loss of function.

Submissions (5):

Evidence-based Network for the Interpretation of Germline Mutant Alleles (ENIGMA)
Classification: Pathogenic for Breast-ovarian cancer, familial, susceptibility to, 1. Last evaluated: 2016-09-08. Review status: reviewed by expert panel. Criteria: ENIGMA BRCA1/2 Classification Criteria (2015). Collection method: curation. Allele origin: germline.
Comment: Variant allele predicted to encode a truncated non-functional protein.

Labcorp Genetics (formerly Invitae), Labcorp
Classification: Pathogenic for Hereditary breast ovarian cancer syndrome. Last evaluated: 2025-02-03. Review status: criteria provided, single submitter. Criteria: Invitae Variant Classification Sherloc (09022015). Collection method: clinical testing. Allele origin: germline. Not counted in ClinVar's aggregate classification.
Comment: This sequence change creates a premature translational stop signal (p.Ser1007*) in the BRCA1 gene. It is expected to result in an absent or disrupted protein product. Loss-of-function variants in BRCA1 are known to be pathogenic (PMID: 20104584). This variant is not present in population databases (gnomAD no frequency). This premature translational stop signal has been observed in individual(s) with a personal and/or family history of breast and/or ovarian cancer (PMID: 16287141). ClinVar contains an entry for this variant (Variation ID: 54754). For these reasons, this variant has been classified as Pathogenic.

Ambry Genetics
Classification: Pathogenic for Hereditary cancer-predisposing syndrome. Last evaluated: 2024-01-04. Review status: criteria provided, single submitter. Criteria: Ambry Variant Classification Scheme 2023. Collection method: clinical testing. Allele origin: germline. Not counted in ClinVar's aggregate classification.
Comment: The p.S1007* pathogenic mutation (also known as c.3020C>G), located in coding exon 9 of the BRCA1 gene, results from a C to G substitution at nucleotide position 3020. This changes the amino acid from a serine to a stop codon within coding exon 9. This alteration has been identified in several hereditary breast and ovarian cancer (HBOC) families (Kroiss R et al. Hum. Mutat., 2005 Dec;26:583-9; Rebbeck TR et al. Hum. Mutat., 2018 05;39:593-620; Manchana T et al. World J Clin Oncol, 2019 Nov;10:358-368). In addition to the clinical data presented in the literature, this alteration is expected to result in loss of function by premature protein truncation or nonsense-mediated mRNA decay. As such, this alteration is interpreted as a disease-causing mutation.

Consortium of Investigators of Modifiers of BRCA1/2 (CIMBA), c/o University of Cambridge
Classification: Pathogenic for Breast-ovarian cancer, familial, susceptibility to, 1. Last evaluated: 2015-10-02. Review status: criteria provided, single submitter. Criteria: CIMBA Mutation Classification guidelines May 2016. Collection method: clinical testing. Allele origin: germline. Not counted in ClinVar's aggregate classification.

Breast Cancer Information Core (BIC) (BRCA1)
Classification: Pathogenic for Breast-ovarian cancer, familial 1. Last evaluated: 2002-05-29. Review status: no assertion criteria provided. Collection method: clinical testing. Allele origin: germline. Affected: yes. Observed: 2 variant alleles. Not counted in ClinVar's aggregate classification.

Literature cited by the submitters: PubMed 20104584 (cited by Labcorp Genetics (formerly Invitae), Labcorp); PubMed 16287141 (cited by Labcorp Genetics (formerly Invitae), Labcorp and Ambry Genetics); PubMed 29446198 (cited by Ambry Genetics); PubMed 31815095 (cited by Ambry Genetics).